The following is an entry in ClinVar:

ClinVar aggregate classification (germline): Uncertain significance (1 of 4 stars; one submission).

Submission:

Labcorp Genetics (formerly Invitae), Labcorp
Classification: Uncertain significance. Last evaluated: 2023-08-10. Review status: criteria provided, single submitter. Criteria: Invitae Variant Classification Sherloc (09022015). Collection method: clinical testing. Allele origin: germline.
Comment: This sequence change replaces glycine, which is neutral and non-polar, with aspartic acid, which is acidic and polar, at codon 598 of the LONP1 protein (p.Gly598Asp). This variant is not present in population databases (gnomAD no frequency). This variant has not been reported in the literature in individuals affected with LONP1-related conditions. ClinVar contains an entry for this variant (Variation ID: 1715552). Advanced modeling of protein sequence and biophysical properties (such as structural, functional, and spatial information, amino acid conservation, physicochemical variation, residue mobility, and thermodynamic stability) performed at Invitae indicates that this missense variant is not expected to disrupt LONP1 protein function. In summary, the available evidence is currently insufficient to determine the role of this variant in disease. Therefore, it has been classified as a Variant of Uncertain Significance.

NM_004793.4(LONP1):c.1793G>A (p.Gly598Asp)

Gene: LONP1 (lon peptidase 1, mitochondrial; minus strand). Cytogenetic location: 19p13.3.
Variant type: single nucleotide variant.
Coding change: c.1793G>A on transcript NM_004793.4 (MANE Select); coding-DNA position 1793, G replaced by A.
Protein change: p.Gly598Asp; replaces glycine 598 with aspartic acid.
Molecular consequence: missense variant. On other transcripts: non-coding transcript variant (1).
Genome position (GRCh38, 1-based): chr19:5,696,352, C>T on the plus strand (G>A on the coding strand, the complement: LONP1 is on the minus strand). VCF-style: chr19-5696352-C-T. GRCh37 (hg19) VCF-style: chr19-5696363-C-T.
Other names: c.1601G>A, p.Gly534Asp (NM_001276479.2); c.1205G>A, p.Gly402Asp (NM_001276480.1); short protein forms G402D, G534D, G598D.
Identifiers: ClinVar variation 1715552 (VCV001715552.5), dbSNP rs2512390315, ClinGen allele CA403529319.